The following is an entry in ClinVar:

ClinVar aggregate classification (germline): Benign (1 of 4 stars; one submission).

Allele frequency attached by ClinVar (database versions not stated): gnomAD exomes 0.69522; gnomAD 0.69929; TOPMed 0.71058; 1000 Genomes Project 30x 0.76905; 1000 Genomes Project 0.77157.
gnomAD v4.1: 955,515 of 1,372,380 alleles (70%); highest among the groups gnomAD compares: East Asian, 100%; 336,403 homozygotes.

Submission:

Unidad de Genómica Garrahan, Hospital de Pediatría Garrahan
Classification: Benign. Last evaluated: 2024-01-24. Review status: criteria provided, single submitter. Criteria: ACMG Guidelines, 2015. Collection method: clinical testing. Allele origin: germline. Affected: no. Observed: 82 variant alleles.
Comment: This variant is classified as Benign based on local population frequency. This variant was detected in 93% of patients studied by a panel of primary immunodeficiencies. Number of patients: 82. Only high quality variants are reported.

NM_001558.4(IL10RA):c.68-114G>A

Gene: IL10RA (interleukin 10 receptor subunit alpha; plus strand). Cytogenetic location: 11q23.3.
Variant type: single nucleotide variant.
Coding change: c.68-114G>A on transcript NM_001558.4 (MANE Select); 114 bases into the intron before coding-DNA position 68, G replaced by A.
Molecular consequence: intron variant.
Genome position (GRCh38, 1-based): chr11:117,988,268, G>A. VCF-style: chr11-117988268-G-A. GRCh37 (hg19) VCF-style: chr11-117858983-G-A.
Identifiers: ClinVar variation 2688473 (VCV002688473.2), dbSNP rs4252248, ClinGen allele CA13398811.
Genomic context (GRCh38, chr11:117,988,268, plus strand): 5'-ACTAGCTCTAGAATCAGACACATGTGGATTCATGTGCCCACTCTGCCCCTTACGGGCTCC[G>A]CTGGCCTCGGGCGAGTCATAGCCTCTCTGAACCTCCCTTTCTTCTTTGGTAAAATTGGGG-3'